The following is an entry in ClinVar:

NM_001242896.3(DEPDC5):c.2429G>T (p.Gly810Val)

Gene: DEPDC5 (DEP domain containing 5, GATOR1 subcomplex subunit; plus strand). Cytogenetic location: 22q12.3.
Variant type: single nucleotide variant.
Coding change: c.2429G>T on transcript NM_001242896.3 (MANE Select); coding-DNA position 2429, G replaced by T.
Protein change: p.Gly810Val; replaces glycine 810 with valine.
Molecular consequence: missense variant. On other transcripts: non-coding transcript variant (5).
Genome position (GRCh38, 1-based): chr22:31,838,759, G>T. VCF-style: chr22-31838759-G-T. GRCh37 (hg19) VCF-style: chr22-32234745-G-T.
Other names: c.2402G>T, p.Gly801Val (NM_001136029.4, NM_001369903.1, NM_014662.6); c.2195G>T, p.Gly732Val (NM_001242897.2, NM_001363854.2, NM_001364319.2); c.2429G>T, p.Gly810Val (NM_001363852.2, NM_001364318.2, NM_001364320.2); c.2345G>T, p.Gly782Val (NM_001369901.1, NM_001369902.1); short protein forms G732V, G782V, G801V, G810V.
Identifiers: ClinVar variation 2500433 (VCV002500433.1), dbSNP rs2519944963, ClinGen allele CA411286673.

ClinVar aggregate classification (germline): Uncertain significance (1 of 4 stars; one submission).

Submission:

GeneDx
Classification: Uncertain significance. Last evaluated: 2022-10-25. Review status: criteria provided, single submitter. Criteria: GeneDx Variant Classification Process June 2021. Collection method: clinical testing. Allele origin: germline. Affected: yes.
Comment: Not observed at significant frequency in large population cohorts (gnomAD); In silico analysis supports that this missense variant has a deleterious effect on protein structure/function; Has not been previously published as pathogenic or benign to our knowledge